The following is an entry in ClinVar:

ClinVar aggregate classification (germline): Uncertain significance (1 of 4 stars; one submission).

gnomAD v4.1: 2 of 1,614,160 alleles (0.00012%); highest among the groups gnomAD compares: Non-Finnish European, 0.00017%; no homozygotes.

Submission:

Labcorp Genetics (formerly Invitae), Labcorp
Classification: Uncertain significance. Last evaluated: 2022-03-18. Review status: criteria provided, single submitter. Criteria: Invitae Variant Classification Sherloc (09022015). Collection method: clinical testing. Allele origin: germline.
Comment: This sequence change falls in intron 8 of the SLC4A11 gene. It does not directly change the encoded amino acid sequence of the SLC4A11 protein. It affects a nucleotide within the consensus splice site. This variant is not present in population databases (gnomAD no frequency). This variant has not been reported in the literature in individuals affected with SLC4A11-related conditions. Variants that disrupt the consensus splice site are a relatively common cause of aberrant splicing (PMID: 17576681, 9536098). Algorithms developed to predict the effect of sequence changes on RNA splicing suggest that this variant is not likely to affect RNA splicing. In summary, the available evidence is currently insufficient to determine the role of this variant in disease. Therefore, it has been classified as a Variant of Uncertain Significance.

Literature cited by the submitters: PubMed 17576681; PubMed 9536098.

NM_001174089.2(SLC4A11):c.1042+3A>G

Gene: SLC4A11 (solute carrier family 4 member 11; minus strand). Cytogenetic location: 20p13.
Variant type: single nucleotide variant.
Coding change: c.1042+3A>G on transcript NM_001174089.2 (MANE Select); 3 bases into the intron after coding-DNA position 1042, A replaced by G.
Molecular consequence: intron variant.
Genome position (GRCh38, 1-based): chr20:3,231,146, T>C on the plus strand (A>G on the coding strand, the complement: SLC4A11 is on the minus strand). VCF-style: chr20-3231146-T-C. GRCh37 (hg19) VCF-style: chr20-3211792-T-C.
Other names: c.985+3A>G (NM_001400277.1, NM_001400278.1, NM_001400279.1); c.1042+3A>G (NM_001363745.2); c.1171+3A>G (NM_001400280.1, NM_001174090.2); c.1090+3A>G (NM_032034.4).
Identifiers: ClinVar variation 1964601 (VCV001964601.2), dbSNP rs2514563029, ClinGen allele CA2580097989.